The following is an entry in ClinVar:

NM_003482.4(KMT2D):c.12875C>T (p.Pro4292Leu)

Gene: KMT2D (lysine methyltransferase 2D; minus strand). Cytogenetic location: 12q13.12.
Variant type: single nucleotide variant.
Coding change: c.12875C>T on transcript NM_003482.4 (MANE Select); coding-DNA position 12875, C replaced by T.
Protein change: p.Pro4292Leu; replaces proline 4292 with leucine.
Molecular consequence: missense variant.
Genome position (GRCh38, 1-based): chr12:49,031,830, G>A on the plus strand (C>T on the coding strand, the complement: KMT2D is on the minus strand). VCF-style: chr12-49031830-G-A. GRCh37 (hg19) VCF-style: chr12-49425613-G-A.
Other names: short protein forms P4292L.
Identifiers: ClinVar variation 4801191 (VCV004801191.1).

ClinVar aggregate classification (germline): Uncertain significance (1 of 4 stars; one submission).

Conditions:
Kabuki syndrome. Also called: NIIKAWA-KUROKI SYNDROME; Kabuki make-up syndrome. Identifiers: Orphanet 2322, MedGen C0796004, MONDO:0016512.

gnomAD v4.1: 3 of 1,559,224 alleles (0.00019%); highest among the groups gnomAD compares: Non-Finnish European, 0.00026%; no homozygotes.

Submission:

Labcorp Genetics (formerly Invitae), Labcorp
Classification: Uncertain significance for Kabuki syndrome. Last evaluated: 2025-04-10. Review status: criteria provided, single submitter. Criteria: Invitae Variant Classification Sherloc (09022015). Collection method: clinical testing. Allele origin: germline.
Comment: This sequence change replaces proline, which is neutral and non-polar, with leucine, which is neutral and non-polar, at codon 4292 of the KMT2D protein (p.Pro4292Leu). This variant is not present in population databases (gnomAD no frequency). This variant has not been reported in the literature in individuals affected with KMT2D-related conditions. Invitae Evidence Modeling of protein sequence and biophysical properties (such as structural, functional, and spatial information, amino acid conservation, physicochemical variation, residue mobility, and thermodynamic stability) indicates that this missense variant is not expected to disrupt KMT2D protein function with a negative predictive value of 95%. In summary, the available evidence is currently insufficient to determine the role of this variant in disease. Therefore, it has been classified as a Variant of Uncertain Significance.